The following is an entry in ClinVar:

NM_004260.4(RECQL4):c.488C>T (p.Pro163Leu)

Gene: RECQL4 (RecQ like helicase 4; minus strand). Cytogenetic location: 8q24.3.
Variant type: single nucleotide variant.
Coding change: c.488C>T on transcript NM_004260.4 (MANE Select); coding-DNA position 488, C replaced by T.
Protein change: p.Pro163Leu; replaces proline 163 with leucine.
Molecular consequence: missense variant. On other transcripts: 5 prime UTR variant (15), non-coding transcript variant (3), intron variant (3).
Genome position (GRCh38, 1-based): chr8:144,516,631, G>A on the plus strand (C>T on the coding strand, the complement: RECQL4 is on the minus strand). VCF-style: chr8-144516631-G-A. GRCh37 (hg19) VCF-style: chr8-145742015-G-A.
Other names: c.488C>T, p.Pro163Leu (NM_001413017.1, NM_001413018.1, NM_001413019.1 and 4 more transcripts); c.-584C>T (NM_001413022.1, NM_001413023.1, NM_001413024.1 and 5 more transcripts); c.359C>T, p.Pro120Leu (NM_001413025.1); c.-646C>T (NM_001413027.1, NM_001413030.1, NM_001413031.1 and 2 more transcripts); c.-488C>T (NM_001413034.1); c.-853C>T (NM_001413043.1); c.355-218C>T (NM_001413029.1); c.-366-218C>T (NM_001413021.1); and 1 more; short protein forms P120L, P163L.
Identifiers: ClinVar variation 2853063 (VCV002853063.3), dbSNP rs2538099047, ClinGen allele CA372691281.
Genomic context (GRCh38, chr8:144,516,631, plus strand): 5'-AGCCGCTGGCTCAGGGATGCCTGCAGATGCTGGAGCCGGCCTGGCCTTGGCTGGGGCTCA[G>A]GGAGCTGTGGAGGCTCATCACTGACTTTTTCTGCAAAGGAGGGGACAGGCCCTGTACCTG-3'
Protein context (NP_004251.4, residues 153-173): EKVSDEPPQL[Pro163Leu]EPQPRPGRLQ

ClinVar aggregate classification (germline): Uncertain significance (1 of 4 stars; one submission).

Conditions:
Baller-Gerold syndrome (BGS). Also called: CRANIOSYNOSTOSIS WITH RADIAL DEFECTS. Identifiers: Orphanet 1225, MedGen C0265308, MONDO:0009039, OMIM 218600.

Submission:

Labcorp Genetics (formerly Invitae), Labcorp
Classification: Uncertain significance for Baller-Gerold syndrome. Last evaluated: 2023-10-22. Review status: criteria provided, single submitter. Criteria: Invitae Variant Classification Sherloc (09022015). Collection method: clinical testing. Allele origin: germline.
Comment: This sequence change replaces proline, which is neutral and non-polar, with leucine, which is neutral and non-polar, at codon 163 of the RECQL4 protein (p.Pro163Leu). This variant is not present in population databases (gnomAD no frequency). This variant has not been reported in the literature in individuals affected with RECQL4-related conditions. Experimental studies and prediction algorithms are not available or were not evaluated, and the functional significance of this variant is currently unknown. In summary, the available evidence is currently insufficient to determine the role of this variant in disease. Therefore, it has been classified as a Variant of Uncertain Significance.